The following is an entry in ClinVar:

NM_020971.3(SPTBN4):c.3996G>A (p.Thr1332=)

Gene: SPTBN4 (spectrin beta, non-erythrocytic 4; plus strand). Cytogenetic location: 19q13.2.
Variant type: single nucleotide variant.
Coding change: c.3996G>A on transcript NM_020971.3 (MANE Select); coding-DNA position 3996, G replaced by A.
Protein change: p.Thr1332=; no amino-acid change (threonine 1332 retained).
Molecular consequence: synonymous variant.
Genome position (GRCh38, 1-based): chr19:40,532,672, G>A. VCF-style: chr19-40532672-G-A. GRCh37 (hg19) VCF-style: chr19-41038579-G-A.
Other names: c.24G>A, p.Thr8= (NM_025213.3).
Identifiers: ClinVar variation 3043843 (VCV003043843.3), dbSNP rs573941593, ClinGen allele CA9446155.
Genomic context (GRCh38, chr19:40,532,672, plus strand): 5'-CTGTTCTGCACAGCTGGATGGCTGGATCCATGAGAAGATGCTGATGGCGCGGGATGGCAC[G>A]CGGGAGGACAACCACAAGCTGCATAAGAGATGGCTCCGGCACCAGGCATTCATGGCCGAG-3'
Protein context (NP_066022.2, residues 1322-1342): HEKMLMARDG[Thr1332=]REDNHKLHKR

ClinVar aggregate classification (germline): Likely benign. Review status: criteria provided, single submitter (1 of 4 stars). 2 submissions from 2 submitters: Likely benign (1). 1 of the submissions does not count toward it. Last evaluated 2024-08-09.

Conditions:
SPTBN4-related disorder. Also called: SPTBN4-related condition.

Allele frequency attached by ClinVar (database versions not stated): ExAC 0.00007; gnomAD 0.00008; TOPMed 0.00013; 1000 Genomes Project 30x 0.00016; 1000 Genomes Project 0.00020.
gnomAD v4.1: 92 of 1,613,572 alleles (0.0057%); highest among the groups gnomAD compares: Middle Eastern, 0.066%; no homozygotes.

Submissions (2):

Blueprint Genetics
Classification: Likely benign. Last evaluated: 2024-08-09. Review status: criteria provided, single submitter. Criteria: ACMG Guidelines, 2015. Collection method: clinical testing. Allele origin: germline.

PreventionGenetics, part of Exact Sciences
Classification: Likely benign for SPTBN4-related condition. Last evaluated: 2019-06-05. Review status: no assertion criteria provided. Collection method: clinical testing. Allele origin: germline. Not counted in ClinVar's aggregate classification.
Comment: This variant is classified as likely benign based on ACMG/AMP sequence variant interpretation guidelines (Richards et al. 2015 PMID: 25741868, with internal and published modifications).